The following is an entry in ClinVar:

NM_001365276.2(TNXB):c.5914G>A (p.Glu1972Lys)

Gene: TNXB (tenascin XB; minus strand). Cytogenetic location: 6p21.33.
Variant type: single nucleotide variant.
Coding change: c.5914G>A on transcript NM_001365276.2 (MANE Select); coding-DNA position 5914, G replaced by A.
Protein change: p.Glu1972Lys; replaces glutamic acid 1972 with lysine.
Molecular consequence: missense variant.
Genome position (GRCh38, 1-based): chr6:32,068,696, C>T on the plus strand (G>A on the coding strand, the complement: TNXB is on the minus strand). VCF-style: chr6-32068696-C-T. GRCh37 (hg19) VCF-style: chr6-32036473-C-T.
Other names: c.5914G>A, p.Glu1972Lys (NM_019105.8); short protein forms E1972K.
Identifiers: ClinVar variation 2482440 (VCV002482440.3), dbSNP rs1778558800, ClinGen allele CA363405815.

ClinVar aggregate classification (germline): Uncertain significance (1 of 4 stars; one submission).

Conditions:
Cardiovascular phenotype. Identifiers: MedGen CN230736.

Allele frequency attached by ClinVar (database versions not stated): TOPMed 0.00001.
gnomAD v4.1: 10 of 1,613,444 alleles (0.00062%); highest among the groups gnomAD compares: African/African-American, 0.0013%; no homozygotes.

Submission:

Ambry Genetics
Classification: Uncertain significance for Cardiovascular phenotype. Last evaluated: 2024-12-09. Review status: criteria provided, single submitter. Criteria: Ambry Variant Classification Scheme 2023. Collection method: clinical testing. Allele origin: germline.
Comment: The p.E1972K variant (also known as c.5914G>A), located in coding exon 16 of the TNXB gene, results from a G to A substitution at nucleotide position 5914. The glutamic acid at codon 1972 is replaced by lysine, an amino acid with similar properties. This amino acid position is conserved. In addition, this alteration is predicted to be tolerated by in silico analysis. Based on the available evidence, the clinical significance of this variant remains unclear.